The following is an entry in ClinVar:

ClinVar aggregate classification (germline): Uncertain significance. Review status: criteria provided, multiple submitters, no conflicts (2 of 4 stars). 2 submissions from 2 submitters: Uncertain significance (2). Last evaluated 2026-07-13.

Conditions:
Catecholaminergic polymorphic ventricular tachycardia 1. Also called: VENTRICULAR TACHYCARDIA, CATECHOLAMINERGIC POLYMORPHIC, 1, WITH OR WITHOUT ATRIAL DYSFUNCTION AND/OR DILATED CARDIOMYOPATHY; RYR2-Related Catecholaminergic Polymorphic Ventricular Tachycardia; VENTRICULAR TACHYCARDIA, STRESS-INDUCED POLYMORPHIC 1. Identifiers: Orphanet 3286, MedGen C1631597, MONDO:0011484, OMIM 604772.
Cardiovascular phenotype. Identifiers: MedGen CN230736.

Submissions (2):

Ambry Genetics
Classification: Uncertain significance for Cardiovascular phenotype. Last evaluated: 2026-07-13. Review status: criteria provided, single submitter. Criteria: Ambry Variant Classification Scheme 2023. Collection method: clinical testing. Allele origin: germline.
Comment: The p.W4941R variant (also known as c.14821T>C), located in coding exon 105 of the RYR2 gene, results from a T to C substitution at nucleotide position 14821. The tryptophan at codon 4941 is replaced by arginine, an amino acid with dissimilar properties. This variant was reported in an individual referred for catecholaminergic polymorphic ventricular tachycardia (CPVT) genetic testing (Kapplinger JD et al. Circ Genom Precis Med, 2018 Feb;11:e001424). This amino acid position is highly conserved in available vertebrate species. In addition, this alteration is predicted to be deleterious by in silico analysis. Based on the available evidence, the clinical significance of this variant remains unclear.

3billion
Classification: Uncertain significance for Catecholaminergic polymorphic ventricular tachycardia 1. Last evaluated: 2025-01-24. Review status: criteria provided, single submitter. Criteria: ACMG Guidelines, 2015. Collection method: clinical testing. Allele origin: germline. Affected: yes.
Comment: The variant is not observed in the gnomAD v4.1.0 dataset. Predicted Consequence/Location: Missense variant. Missense changes are a common disease-causing mechanism. In silico tool predictions suggest damaging effect of the variant on gene or gene product [REVEL: 0.84 (>=0.6, sensitivity 0.68 and specificity 0.92); 3Cnet: 0.89 (>=0.6, sensitivity 0.72 and precision 0.9)]. Therefore, this variant is classified as VUS according to the recommendation of ACMG/AMP guideline.

Literature cited by the submitters: PubMed 29453246 (cited by Ambry Genetics).

NM_001035.3(RYR2):c.14821T>C (p.Trp4941Arg)

Gene: RYR2 (ryanodine receptor 2; plus strand). Cytogenetic location: 1q43.
Variant type: single nucleotide variant.
Coding change: c.14821T>C on transcript NM_001035.3 (MANE Select); coding-DNA position 14821, T replaced by C.
Protein change: p.Trp4941Arg; replaces tryptophan 4941 with arginine.
Molecular consequence: missense variant.
Genome position (GRCh38, 1-based): chr1:237,832,564, T>C. VCF-style: chr1-237832564-T-C. GRCh37 (hg19) VCF-style: chr1-237995864-T-C.
Other names: c.14821T>C (NM_001035.2); short protein forms W4941R.
Identifiers: ClinVar variation 4292741 (VCV004292741.2).